The following is an entry in ClinVar:

ClinVar aggregate classification (germline): Pathogenic (1 of 4 stars; one submission).

Conditions:
Hereditary nonpolyposis colorectal neoplasms. Identifiers: MedGen C0009405, MeSH D003123.

Submission:

Labcorp Genetics (formerly Invitae), Labcorp
Classification: Pathogenic for Hereditary nonpolyposis colorectal neoplasms. Last evaluated: 2021-11-19. Review status: criteria provided, single submitter. Criteria: Invitae Variant Classification Sherloc (09022015). Collection method: clinical testing. Allele origin: germline.
Comment: For these reasons, this variant has been classified as Pathogenic. This variant has not been reported in the literature in individuals affected with MSH6-related conditions. This variant is not present in population databases (gnomAD no frequency). This sequence change creates a premature translational stop signal (p.Asp357*) in the MSH6 gene. It is expected to result in an absent or disrupted protein product. Loss-of-function variants in MSH6 are known to be pathogenic (PMID: 18269114, 24362816).

Literature cited by the submitters: PubMed 18269114; PubMed 24362816.

NM_000179.3(MSH6):c.1069_1076del (p.Gly356_Asp357insTer)

Gene: MSH6 (mutS homolog 6; plus strand). Cytogenetic location: 2p16.3.
Variant type: Deletion.
Coding change: c.1069_1076del on transcript NM_000179.3 (MANE Select); coding-DNA positions 1069 to 1076, 8 bases deleted (GATGACAG; older notation c.1069_1076delGATGACAG).
Protein change: p.Gly356_Asp357insTer.
Molecular consequence: nonsense.
Genome position (GRCh38, 1-based): chr2:47,799,052-47,799,059, GATGACAG deleted. VCF-style (leftmost placement, unchanged base first): chr2-47799051-TGATGACAG-T. GRCh37 (hg19) VCF-style: chr2-48026190-TGATGACAG-T.
Other names: c.679_686del, p.Gly226_Asp227insTer (NM_001281492.2); c.163_170del, p.Gly54_Asp55insTer (NM_001281493.2, NM_001281494.2).
Identifiers: ClinVar variation 1425479 (VCV001425479.6), dbSNP rs2104317612, ClinGen allele CA2573134909.